The following is an entry in ClinVar:

NM_002230.4(JUP):c.178_186del (p.Thr60_Thr62del)

Gene: JUP (junction plakoglobin; minus strand). Cytogenetic location: 17q21.2.
Variant type: Deletion.
Coding change: c.178_186del on transcript NM_002230.4 (MANE Select); coding-DNA positions 178 to 186, 9 bases deleted (ACTTACACC; older notation c.178_186delACTTACACC).
Protein change: p.Thr60_Thr62del.
Molecular consequence: inframe deletion. On other transcripts: inframe indel (1).
Genome position (GRCh38, 1-based): chr17:41,771,669-41,771,677, GGTGTAAGT deleted on the plus strand (ACTTACACC on the coding strand, the reverse complement: JUP is on the minus strand); deleting any 9 consecutive bases within chr17:41,771,669-41,771,681 gives the same sequence; the c. name uses the placement nearest the transcript's 3' end. VCF-style (leftmost placement, unchanged base first): chr17-41771668-GGGTGTAAGT-G. GRCh37 (hg19) VCF-style: chr17-39927920-GGGTGTAAGT-G.
Other names: c.178_186del, p.Thr60_Thr62del (NM_001352773.2, NM_001352774.2, NM_001352775.2 and 3 more transcripts); c.178_186delACTTACACC (NM_002230.2).
Identifiers: ClinVar variation 1779975 (VCV001779975.2), dbSNP rs2544214667, ClinGen allele CA2576269043.
Genomic context (GRCh38, chr17:41,771,668, plus strand): 5'-GGTTTTCTGCCCCATGCAATAGTCCCCAGGGGTCCTGACCTTGGCTGGGGGGCACCCCCT[GGGTGTAAGT>G]GGTGGTTTTCTTGAGCGTGTACTGGCGCCCGCAGGCCTCATCCTCCTCCATGATGCCCTT-3'

ClinVar aggregate classification (germline): Uncertain significance (1 of 4 stars; one submission).

Conditions:
Cardiovascular phenotype. Identifiers: MedGen CN230736.

Submission:

Ambry Genetics
Classification: Uncertain significance for Cardiovascular phenotype. Last evaluated: 2021-12-08. Review status: criteria provided, single submitter. Criteria: Ambry Variant Classification Scheme 2023. Collection method: clinical testing. Allele origin: germline.
Comment: The c.178_186delACTTACACC variant (also known as p.T60_T62del) is located in coding exon 1 of the JUP gene. This variant results from an in-frame ACTTACACC deletion at nucleotide positions 178 to 186. This results in the in-frame deletion of threonine, tyrosine, and threonine at codons 60 to 62. This amino acid region is well conserved in available vertebrate species. In addition, the in silico prediction for this alteration is inconclusive (Choi Y et al. PLoS ONE. 2012; 7(10):e46688). Since supporting evidence is limited at this time, the clinical significance of this alteration remains unclear.